The following is an entry in ClinVar:

ClinVar aggregate classification (germline): Uncertain significance. Review status: criteria provided, multiple submitters, no conflicts (2 of 4 stars). 3 submissions from 3 submitters: Uncertain significance (3). Last evaluated 2025-06-17.

Conditions:
Familial adenomatous polyposis 4 (FAP4). Also called: MSH3-related attenuated familial adenomatous polyposis. Identifiers: Orphanet 480536, MedGen C4310719, MONDO:0044300, OMIM 617100.
Hereditary cancer-predisposing syndrome. Also called: Hereditary neoplastic syndrome; Tumor predisposition; Neoplastic Syndromes, Hereditary; Hereditary Cancer Syndrome. Identifiers: Orphanet 140162, MedGen C0027672, MeSH D009386, MONDO:0015356.

Submissions (3):

St. Jude Molecular Pathology, St. Jude Children's Research Hospital
Classification: Uncertain significance for Familial adenomatous polyposis 4. Last evaluated: 2025-06-17. Review status: criteria provided, single submitter. Criteria: St. Jude Assertion Criteria 2020. Collection method: clinical testing. Allele origin: germline.
Comment: The MSH3 c.2869A>G p.(T hr957Ala) missense change is absent in gnomAD v2.1.1. The in silico tool REVEL predicts a benign effect on protein function, but to our knowledge this prediction has not been confirmed by functional studies. To our knowledge, this variant has not been reported in individuals with MSH3-associated polyposis syndrome. In summary, the evidence currently available is insufficient to determine the clinical significance of this variant. It has therefore been classified as of uncertain significance.

Ambry Genetics
Classification: Uncertain significance for Hereditary cancer-predisposing syndrome. Last evaluated: 2024-09-02. Review status: criteria provided, single submitter. Criteria: Ambry Variant Classification Scheme 2023. Collection method: clinical testing. Allele origin: germline.
Comment: The p.T957A variant (also known as c.2869A>G), located in coding exon 21 of the MSH3 gene, results from an A to G substitution at nucleotide position 2869. The threonine at codon 957 is replaced by alanine, an amino acid with similar properties. This amino acid position is not well conserved in available vertebrate species. In addition, this alteration is predicted to be tolerated by in silico analysis. Since supporting evidence is limited at this time, the clinical significance of this alteration remains unclear.

Labcorp Genetics (formerly Invitae), Labcorp
Classification: Uncertain significance. Last evaluated: 2024-04-29. Review status: criteria provided, single submitter. Criteria: Invitae Variant Classification Sherloc (09022015). Collection method: clinical testing. Allele origin: germline.
Comment: This sequence change replaces threonine, which is neutral and polar, with alanine, which is neutral and non-polar, at codon 957 of the MSH3 protein (p.Thr957Ala). This variant is not present in population databases (gnomAD no frequency). This variant has not been reported in the literature in individuals affected with MSH3-related conditions. ClinVar contains an entry for this variant (Variation ID: 656620). Algorithms developed to predict the effect of missense changes on protein structure and function output the following: SIFT: "Not Available"; PolyPhen-2: "Benign"; Align-GVGD: "Not Available". The alanine amino acid residue is found in multiple mammalian species, which suggests that this missense change does not adversely affect protein function. In summary, the available evidence is currently insufficient to determine the role of this variant in disease. Therefore, it has been classified as a Variant of Uncertain Significance.

NM_002439.5(MSH3):c.2869A>G (p.Thr957Ala)

Gene: MSH3 (mutS homolog 3; plus strand). Cytogenetic location: 5q14.1.
Variant type: single nucleotide variant.
Coding change: c.2869A>G on transcript NM_002439.5 (MANE Select); coding-DNA position 2869, A replaced by G.
Protein change: p.Thr957Ala; replaces threonine 957 with alanine.
Molecular consequence: missense variant.
Genome position (GRCh38, 1-based): chr5:80,854,185, A>G. VCF-style: chr5-80854185-A-G. GRCh37 (hg19) VCF-style: chr5-80150004-A-G.
Other names: short protein forms T957A.
Identifiers: ClinVar variation 656620 (VCV000656620.14), dbSNP rs1580091502, ClinGen allele CA360275582.
Genomic context (GRCh38, chr5:80,854,185, plus strand): 5'-TGTAGGATGGGTGCTGCAGACAATATATATAAAGGACAGAGTACATTTATGGAAGAACTG[A>G]CTGACACAGCAGAAATAATCAGAAAAGCAACATCACAGTCCTTGGTTATCTTGGATGAAC-3'
Protein context (NP_002430.3, residues 947-967): KGQSTFMEEL[Thr957Ala]DTAEIIRKAT